The following is an entry in ClinVar:

NM_015570.4(AUTS2):c.83G>C (p.Gly28Ala)

Genes: AUTS2 (activator of transcription and developmental regulator AUTS2; plus strand), LOC129998550 (ATAC-STARR-seq lymphoblastoid silent region 18224; plus strand). Cytogenetic location: 7q11.22.
Variant type: single nucleotide variant.
Coding change: c.83G>C on transcript NM_015570.4 (MANE Select); coding-DNA position 83, G replaced by C.
Protein change: p.Gly28Ala; replaces glycine 28 with alanine.
Molecular consequence: missense variant.
Genome position (GRCh38, 1-based): chr7:69,599,736, G>C. VCF-style: chr7-69599736-G-C. GRCh37 (hg19) VCF-style: chr7-69064722-G-C.
Other names: c.83G>C, p.Gly28Ala (NM_001127231.3, NM_001127232.3); short protein forms G28A.
Identifiers: ClinVar variation 5037320 (VCV005037320.1).

ClinVar aggregate classification (germline): Uncertain significance (1 of 4 stars; one submission).

gnomAD v4.1: 1 of 1,326,090 alleles (0.000075%); highest among the groups gnomAD compares: Non-Finnish European, 0.000096%; no homozygotes.

Submission:

GeneDx
Classification: Uncertain significance. Last evaluated: 2026-04-18. Review status: criteria provided, single submitter. Criteria: GeneDx Variant Classification Process June 2021. Collection method: clinical testing. Allele origin: germline.
Comment: Not observed at significant frequency in large population cohorts (gnomAD); In silico analysis suggests that this missense variant does not alter protein structure/function; Has not been previously published as pathogenic or benign to our knowledge